The following is an entry in ClinVar:

NM_002500.5(NEUROD1):c.253G>A (p.Gly85Ser)

Gene: NEUROD1 (neuronal differentiation 1; minus strand). Cytogenetic location: 2q31.3.
Variant type: single nucleotide variant.
Coding change: c.253G>A on transcript NM_002500.5 (MANE Select); coding-DNA position 253, G replaced by A.
Protein change: p.Gly85Ser; replaces glycine 85 with serine.
Molecular consequence: missense variant.
Genome position (GRCh38, 1-based): chr2:181,678,608, C>T on the plus strand (G>A on the coding strand, the complement: NEUROD1 is on the minus strand). VCF-style: chr2-181678608-C-T. GRCh37 (hg19) VCF-style: chr2-182543335-C-T.
Other names: short protein forms G85S.
Identifiers: ClinVar variation 1921211 (VCV001921211.5), dbSNP rs2468610810, ClinGen allele CA349786604.
Genomic context (GRCh38, chr2:181,678,608, plus strand): 5'-TCATGCGTCTCAATTTAAAACGCTCCAGGCGAGCCTTAGTCATCTTCTTCTTTTTGGGGC[C>T]GCGTCTCTTGGGCTTTTGATCGTCATCCTCCTCTTCCTCTTCTTCCTCCTCTTCCAGGTC-3'
Protein context (NP_002491.3, residues 75-95): EDDDQKPKRR[Gly85Ser]PKKKKMTKAR

ClinVar aggregate classification (germline): Uncertain significance (1 of 4 stars; one submission).

Allele frequency attached by ClinVar (database versions not stated): gnomAD exomes below 0.00001.

Submission:

Labcorp Genetics (formerly Invitae), Labcorp
Classification: Uncertain significance. Last evaluated: 2021-11-27. Review status: criteria provided, single submitter. Criteria: Invitae Variant Classification Sherloc (09022015). Collection method: clinical testing. Allele origin: germline.
Comment: This sequence change replaces glycine, which is neutral and non-polar, with serine, which is neutral and polar, at codon 85 of the NEUROD1 protein (p.Gly85Ser). This variant is not present in population databases (gnomAD no frequency). This variant has not been reported in the literature in individuals affected with NEUROD1-related conditions. Algorithms developed to predict the effect of missense changes on protein structure and function (SIFT, PolyPhen-2, Align-GVGD) all suggest that this variant is likely to be disruptive. In summary, the available evidence is currently insufficient to determine the role of this variant in disease. Therefore, it has been classified as a Variant of Uncertain Significance.